The following is an entry in ClinVar:

NM_003235.5(TG):c.727C>T (p.Arg243Trp)

Gene: TG (thyroglobulin; plus strand). Cytogenetic location: 8q24.22.
Variant type: single nucleotide variant.
Coding change: c.727C>T on transcript NM_003235.5 (MANE Select); coding-DNA position 727, C replaced by T.
Protein change: p.Arg243Trp; replaces arginine 243 with tryptophan.
Molecular consequence: missense variant.
Genome position (GRCh38, 1-based): chr8:132,881,951, C>T. VCF-style: chr8-132881951-C-T. GRCh37 (hg19) VCF-style: chr8-133894196-C-T.
Other names: short protein forms R243W.
Identifiers: ClinVar variation 3373484 (VCV003373484.1).

ClinVar aggregate classification (germline): Uncertain significance (1 of 4 stars; one submission).

Submission:

GeneDx
Classification: Uncertain significance. Last evaluated: 2024-03-04. Review status: criteria provided, single submitter. Criteria: GeneDx Variant Classification Process June 2021. Collection method: clinical testing. Allele origin: germline. Affected: yes.
Comment: In silico analysis supports that this missense variant has a deleterious effect on protein structure/function; Has not been previously published as pathogenic or benign to our knowledge